The following is an entry in ClinVar:

ClinVar aggregate classification (germline): Conflicting classifications of pathogenicity. Review status: criteria provided, conflicting classifications (1 of 4 stars). 3 submissions from 3 submitters: Uncertain significance (1); Likely benign (1). 1 of the submissions does not count toward it. Last evaluated 2023-11-03.

Conditions:
Microphthalmia, isolated, with coloboma 9 (MCOPCB9). Identifiers: Orphanet 98938, MedGen C3554592, MONDO:0014059, OMIM 615145.
TENM3-related disorder. Also called: TENM3-related condition.
Inborn genetic diseases. Identifiers: MedGen C0950123, MeSH D030342.

Allele frequency attached by ClinVar (database versions not stated): ESP Exome Variant Server 0.00017; TOPMed 0.00024; gnomAD 0.00044; gnomAD exomes 0.00066; ExAC 0.00144; 1000 Genomes Project 30x 0.00219; 1000 Genomes Project 0.00220.

Submissions (3):

Revvity Omics, Revvity
Classification: Uncertain significance for Microphthalmia, isolated, with coloboma 9. Last evaluated: 2023-11-03. Review status: criteria provided, single submitter. Criteria: ACMG Guidelines, 2015. Collection method: clinical testing. Allele origin: germline.

Ambry Genetics
Classification: Likely benign for Inborn genetic diseases. Last evaluated: 2023-04-25. Review status: criteria provided, single submitter. Criteria: Ambry Variant Classification Scheme 2023. Collection method: clinical testing. Allele origin: germline.

PreventionGenetics, part of Exact Sciences
Classification: Likely benign for TENM3-related condition. Last evaluated: 2019-11-22. Review status: no assertion criteria provided. Collection method: clinical testing. Allele origin: germline. Not counted in ClinVar's aggregate classification.
Comment: This variant is classified as likely benign based on ACMG/AMP sequence variant interpretation guidelines (Richards et al. 2015 PMID: 25741868, with internal and published modifications).

NM_001080477.4(TENM3):c.1441G>A (p.Gly481Ser)

Gene: TENM3 (teneurin transmembrane protein 3; plus strand). Cytogenetic location: 4q35.1.
Variant type: single nucleotide variant.
Coding change: c.1441G>A on transcript NM_001080477.4 (MANE Select); coding-DNA position 1441, G replaced by A.
Protein change: p.Gly481Ser; replaces glycine 481 with serine.
Molecular consequence: missense variant.
Genome position (GRCh38, 1-based): chr4:182,679,780, G>A. VCF-style: chr4-182679780-G-A. GRCh37 (hg19) VCF-style: chr4-183600933-G-A.
Other names: c.1162G>A, p.Gly388Ser (NM_001415977.1, NM_001415966.1, NM_001415967.1 and 1 more transcripts); c.1441G>A (NM_001080477.3); c.625G>A, p.Gly209Ser (NM_001415960.1, NM_001415961.1, NM_001415962.1 and 2 more transcripts); c.1441G>A, p.Gly481Ser (NM_001415968.1, NM_001415969.1, NM_001415970.1 and 4 more transcripts); short protein forms G209S, G388S, G481S.
Identifiers: ClinVar variation 2510407 (VCV002510407.6), dbSNP rs202194507, ClinGen allele CA3147691.
Genomic context (GRCh38, chr4:182,679,780, plus strand): 5'-AGCCTGCTTGAGACGGAGAGAGCCGGGCGGCAGGCGAGATCCGTCAGCCTTCATGAGGCC[G>A]GCTTTATCCAGTACTTGGATTCTGGAATCTGGCATCTGGCTTTTTATAATGATGGGAAAA-3'
Protein context (NP_001073946.1, residues 471-491): QARSVSLHEA[Gly481Ser]FIQYLDSGIW